The following is an entry in ClinVar:

NM_006397.3(RNASEH2A):c.407C>G (p.Thr136Ser)

Gene: RNASEH2A (ribonuclease H2 subunit A; plus strand). Cytogenetic location: 19p13.13.
Variant type: single nucleotide variant.
Coding change: c.407C>G on transcript NM_006397.3 (MANE Select); coding-DNA position 407, C replaced by G.
Protein change: p.Thr136Ser; replaces threonine 136 with serine.
Molecular consequence: missense variant.
Genome position (GRCh38, 1-based): chr19:12,807,502, C>G. VCF-style: chr19-12807502-C-G. GRCh37 (hg19) VCF-style: chr19-12918316-C-G.
Other names: short protein forms T136S.
Identifiers: ClinVar variation 1492441 (VCV001492441.3), dbSNP rs1459366188, ClinGen allele CA404266485.

ClinVar aggregate classification (germline): Uncertain significance (1 of 4 stars; one submission).

Conditions:
Aicardi-Goutieres syndrome 4. Identifiers: Orphanet 51, MedGen C1835912, MONDO:0012472, OMIM 610333.

Allele frequency attached by ClinVar (database versions not stated): gnomAD 0.00003; TOPMed 0.00002.
gnomAD v4.1: 6 of 1,613,392 alleles (0.00037%); highest among the groups gnomAD compares: Non-Finnish European, 0.00051%; no homozygotes.

Submission:

Labcorp Genetics (formerly Invitae), Labcorp
Classification: Uncertain significance for Aicardi-Goutieres syndrome 4. Last evaluated: 2022-09-08. Review status: criteria provided, single submitter. Criteria: Invitae Variant Classification Sherloc (09022015). Collection method: clinical testing. Allele origin: germline.
Comment: This sequence change replaces threonine, which is neutral and polar, with serine, which is neutral and polar, at codon 136 of the RNASEH2A protein (p.Thr136Ser). This variant is not present in population databases (gnomAD no frequency). This variant has not been reported in the literature in individuals affected with RNASEH2A-related conditions. ClinVar contains an entry for this variant (Variation ID: 1492441). Advanced modeling of protein sequence and biophysical properties (such as structural, functional, and spatial information, amino acid conservation, physicochemical variation, residue mobility, and thermodynamic stability) performed at Invitae indicates that this missense variant is not expected to disrupt RNASEH2A protein function. In summary, the available evidence is currently insufficient to determine the role of this variant in disease. Therefore, it has been classified as a Variant of Uncertain Significance.